The following is an entry in ClinVar:

NM_194454.3(KRIT1):c.1214_1215dup (p.Glu406fs)

Gene: KRIT1 (KRIT1 ankyrin repeat containing; minus strand). Cytogenetic location: 7q21.2.
Variant type: Duplication.
Coding change: c.1214_1215dup on transcript NM_194454.3 (MANE Select); coding-DNA positions 1214 to 1215, 2 bases duplicated (AA; older notation c.1214_1215dupAA).
Protein change: p.Glu406fs; shifts the reading frame from glutamic acid 406.
Molecular consequence: frameshift variant.
Genome position (GRCh38, 1-based): chr7:92,225,759-92,225,760, TT duplicated on the plus strand (AA on the coding strand, the reverse complement: KRIT1 is on the minus strand). VCF-style (leftmost placement, unchanged base first): chr7-92225758-C-CTT. GRCh37 (hg19) VCF-style: chr7-91855072-C-CTT.
Other names: c.1070_1071dup, p.Glu358fs (NM_001013406.2, NM_001350669.1, NM_001350670.1); c.500_501dup, p.Glu168fs (NM_001350671.1); c.1214_1215dup, p.Glu406fs (NM_001350672.1, NM_001350673.1, NM_001350674.1 and 26 more transcripts); short protein forms E168fs, E358fs, E406fs.
Identifiers: ClinVar variation 2863159 (VCV002863159.3), dbSNP rs2535872041, ClinGen allele CA2739266544.

ClinVar aggregate classification (germline): Pathogenic (1 of 4 stars; one submission).

Conditions:
Cerebral cavernous malformation (CCM). Also called: Cavernous Hemangioma of Brain; CAVERNOUS ANGIOMA, FAMILIAL; CAVERNOUS ANGIOMATOUS MALFORMATIONS; CEREBRAL CAPILLARY MALFORMATIONS; Cerebral cavernous hemangioma (type); Cerebral cavernous malformations. Identifiers: Orphanet 221061, MedGen C2919945, MONDO:0000820, OMIM 116860, HP:0033522.

Submission:

Labcorp Genetics (formerly Invitae), Labcorp
Classification: Pathogenic for Cerebral cavernous malformation. Last evaluated: 2023-05-10. Review status: criteria provided, single submitter. Criteria: Invitae Variant Classification Sherloc (09022015). Collection method: clinical testing. Allele origin: germline.
Comment: For these reasons, this variant has been classified as Pathogenic. This variant has not been reported in the literature in individuals affected with KRIT1-related conditions. This variant is not present in population databases (gnomAD no frequency). This sequence change creates a premature translational stop signal (p.Glu406Lysfs*7) in the KRIT1 gene. It is expected to result in an absent or disrupted protein product. Loss-of-function variants in KRIT1 are known to be pathogenic (PMID: 10508515, 11222804, 12404106, 24689081).

Literature cited by the submitters: PubMed 10508515; PubMed 11222804; PubMed 12404106; PubMed 24689081.